The following is an entry in ClinVar:

NM_003001.3(SDHC):c.*1323G>A

Gene: SDHC (succinate dehydrogenase complex subunit C; plus strand). Cytogenetic location: 1q23.3.
Variant type: single nucleotide variant.
Coding change: c.*1323G>A on transcript NM_003001.3; 1323 bases downstream of the stop codon, G replaced by A.
Genome position (GRCh38, 1-based): chr1:161,363,756, G>A. VCF-style: chr1-161363756-G-A. GRCh37 (hg19) VCF-style: chr1-161333546-G-A.
Identifiers: ClinVar variation 293345 (VCV000293345.7), dbSNP rs72714986, ClinGen allele CA10608039.
Genomic context (GRCh38, chr1:161,363,756, plus strand): 5'-CATATAGGCCAGGCTTTAGCAGGCATGCTGTTTTGATAGTTTTTGGGAACTCTGGAATAA[G>A]AGACTTATCTCATCTGTCACTTCGAGTTGTTGGCCAGCCAGTTAAAGCTGTGGGTCGAAG-3'

ClinVar aggregate classification (germline): Benign (1 of 4 stars; one submission).

Conditions:
Hereditary pheochromocytoma and paraganglioma. Also called: Hereditary Paraganglioma-Pheochromocytoma Syndromes; Hereditary paragangliomas and pheochromocytomas; Hereditary pheochromocytoma-paraganglioma. Identifiers: Orphanet 29072, MedGen C4274332, MONDO:0017366.

Allele frequency attached by ClinVar (database versions not stated): gnomAD 0.01563 and 0.01603; 1000 Genomes Project 30x 0.00796; TOPMed 0.01640; gnomAD exomes 0.01957; 1000 Genomes Project 0.00699.

Submission:

Illumina Laboratory Services, Illumina
Classification: Benign for Hereditary Paraganglioma-Pheochromocytoma Syndromes. Last evaluated: 2018-01-12. Review status: criteria provided, single submitter. Criteria: ICSL Variant Classification Criteria 13 December 2019. Collection method: clinical testing. Allele origin: germline.
Comment: This variant was observed in the ICSL laboratory as part of a predisposition screen in an ostensibly healthy population. It had not been previously curated by ICSL or reported in the Human Gene Mutation Database (HGMD: prior to June 1st, 2018), and was therefore a candidate for classification through an automated scoring system. Utilizing variant allele frequency, disease prevalence and penetrance estimates, and inheritance mode, an automated score was calculated to assess if this variant is too frequent to cause the disease. Based on the score and internal cut-off values, a variant classified as benign is not then subjected to further curation. The score for this variant resulted in a classification of benign for this disease.